The following is an entry in ClinVar:

ClinVar aggregate classification (germline): Uncertain significance (1 of 4 stars; one submission).

gnomAD v4.1: 1 of 1,614,180 alleles (0.000062%); no homozygotes.

Submission:

Labcorp Genetics (formerly Invitae), Labcorp
Classification: Uncertain significance. Last evaluated: 2023-08-04. Review status: criteria provided, single submitter. Criteria: Invitae Variant Classification Sherloc (09022015). Collection method: clinical testing. Allele origin: germline.
Comment: In summary, the available evidence is currently insufficient to determine the role of this variant in disease. Therefore, it has been classified as a Variant of Uncertain Significance. Algorithms developed to predict the effect of missense changes on protein structure and function output the following: SIFT: "Not Available"; PolyPhen-2: "Benign"; Align-GVGD: "Not Available". The glutamic acid amino acid residue is found in multiple mammalian species, which suggests that this missense change does not adversely affect protein function. This variant has not been reported in the literature in individuals affected with TTBK2-related conditions. This variant is present in population databases (no rsID available, gnomAD 0.003%). This sequence change replaces aspartic acid, which is acidic and polar, with glutamic acid, which is acidic and polar, at codon 882 of the TTBK2 protein (p.Asp882Glu).

NM_173500.4(TTBK2):c.2646T>G (p.Asp882Glu)

Gene: TTBK2 (tau tubulin kinase 2; minus strand). Cytogenetic location: 15q15.2.
Variant type: single nucleotide variant.
Coding change: c.2646T>G on transcript NM_173500.4 (MANE Select); coding-DNA position 2646, T replaced by G.
Protein change: p.Asp882Glu; replaces aspartic acid 882 with glutamic acid.
Molecular consequence: missense variant.
Genome position (GRCh38, 1-based): chr15:42,752,600, A>C on the plus strand (T>G on the coding strand, the complement: TTBK2 is on the minus strand). VCF-style: chr15-42752600-A-C. GRCh37 (hg19) VCF-style: chr15-43044798-A-C.
Other names: short protein forms D882E.
Identifiers: ClinVar variation 2822079 (VCV002822079.3), dbSNP rs1486949368, ClinGen allele CA392072124.